The following is an entry in ClinVar:

NM_004364.5(CEBPA):c.426del (p.Arg142fs)

Gene: CEBPA (CCAAT enhancer binding protein alpha; minus strand). Cytogenetic location: 19q13.11.
Variant type: Deletion.
Coding change: c.426del on transcript NM_004364.5 (MANE Select); coding-DNA position 426, one base deleted (G; older notation c.426delG).
Protein change: p.Arg142fs; shifts the reading frame from arginine 142.
Molecular consequence: frameshift variant.
Genome position (GRCh38, 1-based): chr19:33,301,989, C deleted on the plus strand (G on the coding strand, the reverse complement: CEBPA is on the minus strand); the first of 2 consecutive C bases (chr19:33,301,989-33,301,990); deleting either gives the same sequence. VCF-style (leftmost placement, unchanged base first): chr19-33301988-GC-G. GRCh37 (hg19) VCF-style: chr19-33792894-GC-G.
Other names: c.69del, p.Arg23fs (NM_001285829.2); c.531del, p.Arg177fs (NM_001287424.2); c.384del, p.Arg128fs (NM_001287435.2); c.426delG (NM_004364.5); short protein forms R128fs, R142fs, R177fs, R23fs.
Identifiers: ClinVar variation 1343789 (VCV001343789.1), dbSNP rs2513331483, ClinGen allele CA2580096796.
Genomic context (GRCh38, chr19:33,301,988, plus strand): 5'-CCTGCTTGATCACCAGCGGCCGCAGCGCCGGCGCCCCGACGCGCTCGTACAGGGGCTCCA[GC>G]CTGCCGTCCAGGTAGCCGGCGGCCGCGCAGCCGTAGCCGGGCGGGGGCCCGTGCGCTCCC-3'

ClinVar aggregate classification (germline): Likely pathogenic (1 of 4 stars; one submission).

Conditions:
Acute myeloid leukemia (AML). Also called: Leukemia, acute myeloid, somatic; Leukemia, acute myelogenous, somatic; Acute myeloid leukemia, adult; AML adult; Acute non-lymphocytic leukemia; Acute granulocytic leukemia. Identifiers: Orphanet 519, MedGen C0023467, MeSH D015470, MONDO:0018874, OMIM 601626, HP:0004808. Disease mechanism: Constitutively activated FLT3.

Submission:

Genomic Diagnostics Laboratory, National Institute of Medical Genomics
Classification: Likely pathogenic for Acute myeloid leukemia. Review status: criteria provided, single submitter. Criteria: AMP Guidelines, 2017. Collection method: clinical testing. Allele origin: somatic. Affected: yes.
Comment: The variant was detected in bone marrow from patients, but it was not confirmed in the matched